The following is an entry in ClinVar:

ClinVar aggregate classification (germline): Uncertain significance (1 of 4 stars; one submission).

Conditions:
Inborn genetic diseases. Identifiers: MedGen C0950123, MeSH D030342.

gnomAD v4.1: 1 of 1,607,892 alleles (0.000062%); highest among the groups gnomAD compares: Non-Finnish European, 0.000085%; no homozygotes.

Submission:

Ambry Genetics
Classification: Uncertain significance for Inborn genetic diseases. Last evaluated: 2026-03-29. Review status: criteria provided, single submitter. Criteria: Ambry Variant Classification Scheme 2023. Collection method: clinical testing. Allele origin: germline.
Comment: The p.R382P variant (also known as c.1145G>C), located in coding exon 4 of the SMAD6 gene, results from a G to C substitution at nucleotide position 1145. The arginine at codon 382 is replaced by proline, an amino acid with dissimilar properties. This amino acid position is conserved. In addition, this alteration is predicted to be deleterious by in silico analysis. Based on the available evidence, the clinical significance of this variant remains unclear.

NM_005585.5(SMAD6):c.1145G>C (p.Arg382Pro)

Gene: SMAD6 (SMAD family member 6; plus strand). Cytogenetic location: 15q22.31.
Variant type: single nucleotide variant.
Coding change: c.1145G>C on transcript NM_005585.5 (MANE Select); coding-DNA position 1145, G replaced by C.
Protein change: p.Arg382Pro; replaces arginine 382 with proline.
Molecular consequence: missense variant. On other transcripts: non-coding transcript variant (1).
Genome position (GRCh38, 1-based): chr15:66,781,189, G>C. VCF-style: chr15-66781189-G-C. GRCh37 (hg19) VCF-style: chr15-67073527-G-C.
Other names: short protein forms R382P.
Identifiers: ClinVar variation 3958369 (VCV003958369.2).